The following is an entry in ClinVar:

ClinVar aggregate classification (germline): Conflicting classifications of pathogenicity. Review status: criteria provided, conflicting classifications (1 of 4 stars). 3 submissions from 3 submitters: Likely pathogenic (2); Uncertain significance (1). Last evaluated 2022-12-21.

Conditions:
Cardiovascular phenotype. Identifiers: MedGen CN230736.
Telangiectasia, hereditary hemorrhagic, type 2 (HHT2). Also called: Telangiectasia, hereditary hemorrhagic, type II; ACVRL1-Related Hereditary Hemorrhagic Telangiectasia. Identifiers: Orphanet 774, MedGen C1838163, MONDO:0010880, OMIM 600376. Disease mechanism: loss of function.

Submissions (3):

GeneDx
Classification: Likely pathogenic. Last evaluated: 2022-12-21. Review status: criteria provided, single submitter. Criteria: GeneDx Variant Classification Process June 2021. Collection method: clinical testing. Allele origin: germline. Affected: yes.
Comment: In-frame deletion of 1 amino acid in a non-repeat region; In silico analysis supports a deleterious effect on protein structure/function; Not observed at significant frequency in large population cohorts (gnomAD); This variant is associated with the following publications: (PMID: 17384219, 32573726)

Ambry Genetics
Classification: Uncertain significance for Cardiovascular phenotype. Last evaluated: 2019-02-23. Review status: criteria provided, single submitter. Criteria: Ambry Variant Classification Scheme 2023. Collection method: clinical testing. Allele origin: germline.
Comment: The c.1460_1462delAGA variant (also known as p.K487DEL) is located in coding exon 9 of the ACVRL1 gene. This variant results from an in-frame AGA deletion at nucleotide positions 1460 to 1462. This results in the in-frame deletion of a lysine at codon 487. The variant has been reported in an individual with a clinical diagnosis of hereditary hemorrhagic telangiectasia (HHT) (Gedge F et al. J Mol Diagn, 2007 Apr;9:258-65). This amino acid position is highly conserved in available vertebrate species. In addition, this alteration is predicted to be deleterious/neutral byinsilico analysis (Choi Y et al., PLoS ONE 2012; 7(10):e46688). Based on available evidence to date, the clinical significance of this alteration remains unclear.

NIHR Bioresource Rare Diseases, University of Cambridge
Classification: Likely pathogenic for Telangiectasia, hereditary hemorrhagic, type 2. Last evaluated: 2018-01-01. Review status: criteria provided, single submitter. Criteria: ACMG Guidelines, 2015. Collection method: research. Allele origin: unknown. Affected: yes. Observed: 1 variant allele.
Comment: PM2+PM1+PP4

Literature cited by the submitters: PubMed 17384219 (cited by Ambry Genetics); PubMed 32573726 (cited by NIHR Bioresource Rare Diseases, University of Cambridge).

NM_000020.3(ACVRL1):c.1457AGA[1] (p.Lys487del)

Gene: ACVRL1 (activin A receptor like type 1; plus strand). Cytogenetic location: 12q13.13.
Variant type: Microsatellite.
Coding change: c.1457AGA[1] on transcript NM_000020.3 (MANE Select); one copy of the 3-base unit AGA starting at c.1457; the reference has two copies in a row; one copy, 3 bases deleted; also written c.1460_1462del.
Protein change: p.Lys487del; deletes lysine 487.
Molecular consequence: inframe deletion.
Genome position (GRCh38, 1-based): chr12:51,920,841-51,920,843, AGA deleted; deleting any 3 consecutive bases within chr12:51,920,837-51,920,843 gives the same sequence; the position shown is the placement nearest the transcript's 3' end. VCF-style (leftmost placement, unchanged base first): chr12-51920836-CAAG-C. GRCh37 (hg19) VCF-style: chr12-52314620-CAAG-C.
Other names: c.1457AGA[1], p.Lys487del (NM_001077401.2); c.1460_1462del (NM_000020.2); short protein forms K487del.
Identifiers: ClinVar variation 982452 (VCV000982452.4), dbSNP rs1940959480, ClinGen allele CA2036241920.